The following is an entry in ClinVar:

NM_004247.4(EFTUD2):c.1904T>A (p.Leu635His)

Gene: EFTUD2 (elongation factor Tu GTP binding domain containing 2; minus strand). Cytogenetic location: 17q21.31.
Variant type: single nucleotide variant.
Coding change: c.1904T>A on transcript NM_004247.4 (MANE Select); coding-DNA position 1904, T replaced by A.
Protein change: p.Leu635His; replaces leucine 635 with histidine.
Molecular consequence: missense variant.
Genome position (GRCh38, 1-based): chr17:44,859,138, A>T on the plus strand (T>A on the coding strand, the complement: EFTUD2 is on the minus strand). VCF-style: chr17-44859138-A-T. GRCh37 (hg19) VCF-style: chr17-42936506-A-T.
Other names: c.1799T>A, p.Leu600His (NM_001142605.2); c.1904T>A, p.Leu635His (NM_001258353.2); c.1874T>A, p.Leu625His (NM_001258354.2); short protein forms L600H, L625H, L635H.
Identifiers: ClinVar variation 1343270 (VCV001343270.1), dbSNP rs2145455460, ClinGen allele CA399810808.

ClinVar aggregate classification (germline): Uncertain significance (1 of 4 stars; one submission).

Conditions:
Mandibulofacial dysostosis-microcephaly syndrome (MFDGA). Also called: Growth and mental retardation, mandibulofacial dysostosis, microcephaly, and cleft palate; Mandibulofacial dysostosis, Guion-Almeida type. Identifiers: Orphanet 79113, MedGen C1864652, MONDO:0012516, OMIM 610536.

Submission:

Institute of Human Genetics, Clinical Exome/Genome Diagnostics Group, University Hospital Bonn
Classification: Uncertain significance for Mandibulofacial dysostosis-microcephaly syndrome. Last evaluated: 2021-11-23. Review status: criteria provided, single submitter. Criteria: ACMG Guidelines, 2015. Collection method: clinical testing. Allele origin: germline. Affected: yes.
Comment: PM2, PP2. PP3